The following is an entry in ClinVar:

ClinVar aggregate classification (germline): Uncertain significance (1 of 4 stars; one submission).

Conditions:
Hereditary sensory neuropathy-deafness-dementia syndrome. Also called: Hereditary Sensory and Autonomic Neuropathy Type 1E (HSAN1E); Hereditary sensory neuropathy type IE; HSN IE; NEUROPATHY, HEREDITARY SENSORY, WITH HEARING LOSS AND DEMENTIA. Identifiers: Orphanet 456318, MedGen C3279885, MONDO:0013584, OMIM 614116.

Allele frequency attached by ClinVar (database versions not stated): gnomAD exomes 0.00001; ExAC 0.00002; TOPMed 0.00002; gnomAD 0.00003.
gnomAD v4.1: 8 of 1,613,678 alleles (0.0005%); highest among the groups gnomAD compares: African/African-American, 0.0093%; no homozygotes.

Submission:

Labcorp Genetics (formerly Invitae), Labcorp
Classification: Uncertain significance for Hereditary sensory neuropathy-deafness-dementia syndrome. Last evaluated: 2021-11-29. Review status: criteria provided, single submitter. Criteria: Invitae Variant Classification Sherloc (09022015). Collection method: clinical testing. Allele origin: germline.
Comment: In summary, the available evidence is currently insufficient to determine the role of this variant in disease. Therefore, it has been classified as a Variant of Uncertain Significance. Algorithms developed to predict the effect of missense changes on protein structure and function output the following: SIFT: "Deleterious"; PolyPhen-2: "Benign"; Align-GVGD: "Class C0". The valine amino acid residue is found in multiple mammalian species, which suggests that this missense change does not adversely affect protein function. This variant has not been reported in the literature in individuals affected with DNMT1-related conditions. This variant is present in population databases (rs761440391, gnomAD 0.01%). This sequence change replaces alanine, which is neutral and non-polar, with valine, which is neutral and non-polar, at codon 1497 of the DNMT1 protein (p.Ala1497Val).

NM_001130823.3(DNMT1):c.4490C>T (p.Ala1497Val)

Genes: DNMT1 (DNA methyltransferase 1; minus strand), LOC126862853 (CDK7 strongly-dependent group 2 enhancer GRCh37_chr19:10246117-10247316; plus strand). Cytogenetic location: 19p13.2.
Variant type: single nucleotide variant.
Coding change: c.4490C>T on transcript NM_001130823.3 (MANE Select); coding-DNA position 4490, C replaced by T.
Protein change: p.Ala1497Val; replaces alanine 1497 with valine.
Molecular consequence: missense variant.
Genome position (GRCh38, 1-based): chr19:10,136,287, G>A on the plus strand (C>T on the coding strand, the complement: DNMT1 is on the minus strand). VCF-style: chr19-10136287-G-A. GRCh37 (hg19) VCF-style: chr19-10246963-G-A.
Other names: c.4451C>T, p.Ser1484Phe (NM_001318730.2); c.4127C>T, p.Ala1376Val (NM_001318731.2); c.4442C>T, p.Ala1481Val (NM_001379.4); short protein forms A1376V, S1484F, A1481V, A1497V.
Identifiers: ClinVar variation 1383112 (VCV001383112.6), dbSNP rs761440391, ClinGen allele CA9187490.